The following is an entry in ClinVar:

ClinVar aggregate classification (germline): Uncertain significance (1 of 4 stars; one submission).

gnomAD v4.1: 6 of 1,613,094 alleles (0.00037%); highest among the groups gnomAD compares: Middle Eastern, 0.033%; no homozygotes.

Submission:

Labcorp Genetics (formerly Invitae), Labcorp
Classification: Uncertain significance. Last evaluated: 2025-12-08. Review status: criteria provided, single submitter. Criteria: Invitae Variant Classification Sherloc (09022015). Collection method: clinical testing. Allele origin: germline.
Comment: This sequence change replaces glutamic acid, which is acidic and polar, with aspartic acid, which is acidic and polar, at codon 26 of the TOPORS protein (p.Glu26Asp). This variant is not present in population databases (gnomAD no frequency). This variant has not been reported in the literature in individuals affected with TOPORS-related conditions. An algorithm developed to predict the effect of missense changes on protein structure and function (PolyPhen-2) suggests that this variant is likely to be disruptive. In summary, the available evidence is currently insufficient to determine the role of this variant in disease. Therefore, it has been classified as a Variant of Uncertain Significance.

NM_005802.5(TOPORS):c.78G>T (p.Glu26Asp)

Gene: TOPORS (TOP1 binding arginine/serine rich protein, E3 ubiquitin ligase; minus strand). Cytogenetic location: 9p21.1.
Variant type: single nucleotide variant.
Coding change: c.78G>T on transcript NM_005802.5 (MANE Select); coding-DNA position 78, G replaced by T.
Protein change: p.Glu26Asp; replaces glutamic acid 26 with aspartic acid.
Molecular consequence: missense variant. On other transcripts: intron variant (1).
Genome position (GRCh38, 1-based): chr9:32,550,894, C>A on the plus strand (G>T on the coding strand, the complement: TOPORS is on the minus strand). VCF-style: chr9-32550894-C-A. GRCh37 (hg19) VCF-style: chr9-32550892-C-A.
Other names: c.3+1540G>T (NM_001195622.2); short protein forms E26D.
Identifiers: ClinVar variation 4704963 (VCV004704963.1).